The following is an entry in ClinVar:

ClinVar aggregate classification (germline): Likely benign (1 of 4 stars; one submission).

gnomAD v4.1: 2 of 1,614,192 alleles (0.00012%); highest among the groups gnomAD compares: Non-Finnish European, 0.00017%; no homozygotes.

Submission:

CeGaT Center for Human Genetics Tuebingen
Classification: Likely benign. Last evaluated: 2026-05-01. Review status: criteria provided, single submitter. Criteria: CeGaT Center For Human Genetics Tuebingen Variant Classification Criteria Version 2. Collection method: clinical testing. Allele origin: germline. Affected: yes. Observed: 1 variant allele.
Comment: ZNF530: BP4, BP7

NM_001321981.2(ZNF530):c.750T>G (p.Thr250=)

Gene: ZNF530 (zinc finger protein 530; plus strand). Cytogenetic location: 19q13.43.
Variant type: single nucleotide variant.
Coding change: c.750T>G on transcript NM_001321981.2 (MANE Select); coding-DNA position 750, T replaced by G.
Protein change: p.Thr250=; no amino-acid change (threonine 250 retained).
Molecular consequence: synonymous variant. On other transcripts: non-coding transcript variant (1).
Genome position (GRCh38, 1-based): chr19:57,606,374, T>G. VCF-style: chr19-57606374-T-G. GRCh37 (hg19) VCF-style: chr19-58117742-T-G.
Other names: c.750T>G, p.Thr250= (NM_001387561.1); c.846T>G, p.Thr282= (NM_001387562.1); c.849T>G, p.Thr283= (NM_001387563.1, NM_020880.5).
Identifiers: ClinVar variation 4875251 (VCV004875251.2).